The following is an entry in ClinVar:

NM_001083962.2(TCF4):c.73A>T (p.Met25Leu)

Gene: TCF4 (transcription factor 4; minus strand). Cytogenetic location: 18q21.2.
Variant type: single nucleotide variant.
Coding change: c.73A>T on transcript NM_001083962.2 (MANE Select); coding-DNA position 73, A replaced by T.
Protein change: p.Met25Leu; replaces methionine 25 with leucine.
Molecular consequence: missense variant. On other transcripts: initiator codon variant (18).
Genome position (GRCh38, 1-based): chr18:55,585,352, T>A on the plus strand (A>T on the coding strand, the complement: TCF4 is on the minus strand). VCF-style: chr18-55585352-T-A. GRCh37 (hg19) VCF-style: chr18-53252583-T-A.
Other names: c.1A>T, p.Met1Leu (NM_001369577.1, NM_001369578.1, NM_001369579.1 and 15 more transcripts); c.73A>T, p.Met25Leu (NM_003199.3, NM_001243228.2, NM_001330604.3 and 8 more transcripts); c.379A>T, p.Met127Leu (NM_001243226.3); c.67A>T, p.Met23Leu (NM_001243230.2); short protein forms M25L, M1L, M127L, M23L.
Identifiers: ClinVar variation 2850014 (VCV002850014.3), dbSNP rs2097629744, ClinGen allele CA402704159.
Genomic context (GRCh38, chr18:55,585,352, plus strand): 5'-AATGTCCACTTGCCAAAGAAGTTGGTCCATTTTTCCCACTGCTCACAGGAGGTGAAAACA[T>A]CTAAAAGAAACAAAGAAATATTACAGTTGAAAAGAAGACACTTGTGCCTTCAGAGCTCCT-3'
Protein context (NP_001077431.1, residues 15-35): ELSDLLDFSA[Met25Leu]FSPPVSSGKN

ClinVar aggregate classification (germline): Uncertain significance (1 of 4 stars; one submission).

Conditions:
Pitt-Hopkins syndrome (PTHS). Also called: MENTAL RETARDATION, SYNDROMAL, WITH INTERMITTENT HYPERVENTILATION; ENCEPHALOPATHY, SEVERE EPILEPTIC, WITH AUTONOMIC DYSFUNCTION. Identifiers: Orphanet 2896, MedGen C1970431, MONDO:0012589, OMIM 610954.

Submission:

Labcorp Genetics (formerly Invitae), Labcorp
Classification: Uncertain significance for Pitt-Hopkins syndrome. Last evaluated: 2023-03-27. Review status: criteria provided, single submitter. Criteria: Invitae Variant Classification Sherloc (09022015). Collection method: clinical testing. Allele origin: germline.
Comment: An algorithm developed to predict the effect of missense changes on protein structure and function (PolyPhen-2) suggests that this variant is likely to be disruptive. This variant has not been reported in the literature in individuals affected with TCF4-related conditions. This variant is not present in population databases (gnomAD no frequency). This sequence change replaces methionine, which is neutral and non-polar, with leucine, which is neutral and non-polar, at codon 25 of the TCF4 protein (p.Met25Leu). In summary, the available evidence is currently insufficient to determine the role of this variant in disease. Therefore, it has been classified as a Variant of Uncertain Significance.